The following is an entry in ClinVar:

NM_001128840.3(CACNA1D):c.5995C>G (p.Pro1999Ala)

Gene: CACNA1D (calcium voltage-gated channel subunit alpha1 D; plus strand). Cytogenetic location: 3p21.1.
Variant type: single nucleotide variant.
Coding change: c.5995C>G on transcript NM_001128840.3 (MANE Select); coding-DNA position 5995, C replaced by G.
Protein change: p.Pro1999Ala; replaces proline 1999 with alanine.
Molecular consequence: missense variant.
Genome position (GRCh38, 1-based): chr3:53,810,101, C>G. VCF-style: chr3-53810101-C-G. GRCh37 (hg19) VCF-style: chr3-53844128-C-G.
Other names: c.6055C>G, p.Pro2019Ala (NM_000720.4); c.5923C>G, p.Pro1975Ala (NM_001128839.3); short protein forms P2019A, P1999A, P1975A.
Identifiers: ClinVar variation 3729847 (VCV003729847.2).
Genomic context (GRCh38, chr3:53,810,101, plus strand): 5'-CGGTCGTGGGCCACCCCTCCAGCAACCCCTCCCTACCGGGACTGGACACCGTGCTACACC[C>G]CCCTGATCCAAGTGGAGCAGTCAGAGGCCCTGGACCAGGTGAACGGCAGCCTGCCGTCCC-3'
Protein context (NP_001122312.1, residues 1989-2009): PYRDWTPCYT[Pro1999Ala]LIQVEQSEAL

ClinVar aggregate classification (germline): Uncertain significance (1 of 4 stars; one submission).

Submission:

Labcorp Genetics (formerly Invitae), Labcorp
Classification: Uncertain significance. Last evaluated: 2025-01-30. Review status: criteria provided, single submitter. Criteria: Invitae Variant Classification Sherloc (09022015). Collection method: clinical testing. Allele origin: germline.
Comment: This sequence change replaces proline, which is neutral and non-polar, with alanine, which is neutral and non-polar, at codon 2019 of the CACNA1D protein (p.Pro2019Ala). This variant is not present in population databases (gnomAD no frequency). This variant has not been reported in the literature in individuals affected with CACNA1D-related conditions. An algorithm developed to predict the effect of missense changes on protein structure and function (PolyPhen-2) suggests that this variant is likely to be disruptive. In summary, the available evidence is currently insufficient to determine the role of this variant in disease. Therefore, it has been classified as a Variant of Uncertain Significance.